The following is an entry in ClinVar:

NM_001605.3(AARS1):c.81C>G (p.His27Gln)

Gene: AARS1 (alanyl-tRNA synthetase 1; minus strand). Cytogenetic location: 16q22.1.
Variant type: single nucleotide variant.
Coding change: c.81C>G on transcript NM_001605.3 (MANE Select); coding-DNA position 81, C replaced by G.
Protein change: p.His27Gln; replaces histidine 27 with glutamine.
Molecular consequence: missense variant.
Genome position (GRCh38, 1-based): chr16:70,282,683, G>C on the plus strand (C>G on the coding strand, the complement: AARS1 is on the minus strand). VCF-style: chr16-70282683-G-C. GRCh37 (hg19) VCF-style: chr16-70316586-G-C.
Other names: short protein forms H27Q.
Identifiers: ClinVar variation 3003409 (VCV003003409.3), dbSNP rs750765656, ClinGen allele CA396570513.

ClinVar aggregate classification (germline): Uncertain significance (1 of 4 stars; one submission).

Conditions:
Charcot-Marie-Tooth disease type 2. Also called: Charcot-Marie-Tooth type 2. Identifiers: Orphanet 64746, MedGen C0270914, MONDO:0018993.

Submission:

Labcorp Genetics (formerly Invitae), Labcorp
Classification: Uncertain significance for Charcot-Marie-Tooth disease type 2. Last evaluated: 2024-12-30. Review status: criteria provided, single submitter. Criteria: Invitae Variant Classification Sherloc (09022015). Collection method: clinical testing. Allele origin: germline.
Comment: This sequence change replaces histidine, which is basic and polar, with glutamine, which is neutral and polar, at codon 27 of the AARS protein (p.His27Gln). This variant is not present in population databases (gnomAD no frequency). This variant has not been reported in the literature in individuals affected with AARS-related conditions. ClinVar contains an entry for this variant (Variation ID: 3003409). Invitae Evidence Modeling of protein sequence and biophysical properties (such as structural, functional, and spatial information, amino acid conservation, physicochemical variation, residue mobility, and thermodynamic stability) indicates that this missense variant is not expected to disrupt AARS protein function with a negative predictive value of 95%. In summary, the available evidence is currently insufficient to determine the role of this variant in disease. Therefore, it has been classified as a Variant of Uncertain Significance.